The following is an entry in ClinVar:

NM_000789.4(ACE):c.2952G>A (p.Val984=)

Gene: ACE (angiotensin I converting enzyme; plus strand). Cytogenetic location: 17q23.3.
Variant type: single nucleotide variant.
Coding change: c.2952G>A on transcript NM_000789.4 (MANE Select); coding-DNA position 2952, G replaced by A.
Protein change: p.Val984=; no amino-acid change (valine 984 retained).
Molecular consequence: synonymous variant.
Genome position (GRCh38, 1-based): chr17:63,493,475, G>A. VCF-style: chr17-63493475-G-A. GRCh37 (hg19) VCF-style: chr17-61570836-G-A.
Other names: c.1230G>A, p.Val410= (NM_001178057.2, NM_152830.3).
Identifiers: ClinVar variation 324410 (VCV000324410.39), dbSNP rs3730044, ClinGen allele CA8700328.
Genomic context (GRCh38, chr17:63,493,475, plus strand): 5'-CCCCCACTCCACTATTCCTAGGATCAAGCAGTGCACCACCGTGAACTTGGAGGACCTGGT[G>A]GTGGCCCACCACGAAATGGGCCACATCCAGTATTTCATGCAGTACAAAGACTTACCTGTG-3'
Protein context (NP_000780.1, residues 974-994): QCTTVNLEDL[Val984=]VAHHEMGHIQ

ClinVar aggregate classification (germline): Benign/Likely benign. Review status: criteria provided, multiple submitters, no conflicts (2 of 4 stars). 4 submissions from 4 submitters: Benign (1); Likely benign (3). Last evaluated 2026-04-01.

Conditions:
Renal tubular dysgenesis. Also called: Renotubular dysgenesis. Identifiers: Orphanet 3033, MedGen C0266313, MONDO:0017609, HP:0008660.

Allele frequency attached by ClinVar (database versions not stated): 1000 Genomes Project 30x 0.00234; 1000 Genomes Project 0.00260; TOPMed 0.00347; ESP Exome Variant Server 0.00500.
gnomAD v4.1: 9,775 of 1,614,076 alleles (0.61%); highest among the groups gnomAD compares: Non-Finnish European, 0.58%; 81 homozygotes.

Submissions (4):

CeGaT Center for Human Genetics Tuebingen
Classification: Likely benign. Last evaluated: 2026-04-01. Review status: criteria provided, single submitter. Criteria: CeGaT Center For Human Genetics Tuebingen Variant Classification Criteria Version 2. Collection method: clinical testing. Allele origin: germline. Affected: yes. Observed: 3 variant alleles.
Comment: ACE: BP4, BP7, BS2

Labcorp Genetics (formerly Invitae), Labcorp
Classification: Benign. Last evaluated: 2026-01-12. Review status: criteria provided, single submitter. Criteria: Invitae Variant Classification Sherloc (09022015). Collection method: clinical testing. Allele origin: germline.

Blueprint Genetics
Classification: Likely benign. Last evaluated: 2024-11-20. Review status: criteria provided, single submitter. Criteria: ACMG Guidelines, 2015. Collection method: clinical testing. Allele origin: germline.

Illumina Laboratory Services, Illumina
Classification: Likely benign for Renal tubular dysgenesis of genetic origin. Last evaluated: 2018-01-13. Review status: criteria provided, single submitter. Criteria: ICSL Variant Classification Criteria 13 December 2019. Collection method: clinical testing. Allele origin: germline.
Comment: This variant was observed in the ICSL laboratory as part of a predisposition screen in an ostensibly healthy population. It had not been previously curated by ICSL or reported in the Human Gene Mutation Database (HGMD: prior to June 1st, 2018), and was therefore a candidate for classification through an automated scoring system. Utilizing variant allele frequency, disease prevalence and penetrance estimates, and inheritance mode, an automated score was calculated to assess if this variant is too frequent to cause the disease. Based on the score and internal cut-off values, a variant classified as likely benign is not then subjected to further curation. The score for this variant resulted in a classification of likely benign for this disease.